The following is an entry in ClinVar:

ClinVar aggregate classification (germline): Conflicting classifications of pathogenicity. Review status: criteria provided, conflicting classifications (1 of 4 stars). 5 submissions from 5 submitters: Uncertain significance (2); Benign (1); Likely benign (2). Last evaluated 2025-12-17.

Conditions:
Hypogonadotropic hypogonadism 3 with or without anosmia (HH3). Also called: PROKR2-Related GnRH Deficiency (Kallmann Syndrome 3); HYPOGONADOTROPIC HYPOGONADISM 3 WITH ANOSMIA. Identifiers: Orphanet 478, MedGen C3550478, MONDO:0009482, OMIM 244200.
PROKR2-related disorder. Also called: PROKR2-related condition.

Allele frequency attached by ClinVar (database versions not stated): gnomAD 0.00039 and 0.00037; TOPMed 0.00045; ExAC 0.00056; ESP Exome Variant Server 0.00077; gnomAD exomes 0.00078.
gnomAD v4.1: 751 of 1,614,108 alleles (0.047%); highest among the groups gnomAD compares: South Asian, 0.048%; 6 homozygotes.

Submissions (5):

PreventionGenetics, part of Exact Sciences
Classification: Likely benign for PROKR2-related condition. Last evaluated: 2025-12-17. Review status: criteria provided, single submitter. Criteria: ACMG Guidelines, 2015. Collection method: clinical testing. Allele origin: germline.
Comment: This variant is classified as likely benign based on ACMG/AMP sequence variant interpretation guidelines (Richards et al. 2015 PMID: 25741868, with internal and published modifications).

Labcorp Genetics (formerly Invitae), Labcorp
Classification: Benign. Last evaluated: 2025-06-20. Review status: criteria provided, single submitter. Criteria: Invitae Variant Classification Sherloc (09022015). Collection method: clinical testing. Allele origin: germline.

Blueprint Genetics
Classification: Uncertain significance. Last evaluated: 2024-08-07. Review status: criteria provided, single submitter. Criteria: ACMG Guidelines, 2015. Collection method: clinical testing. Allele origin: germline.

Mendelics
Classification: Likely benign for Hypogonadotropic hypogonadism 3 with or without anosmia. Last evaluated: 2019-05-28. Review status: criteria provided, single submitter. Criteria: Mendelics Assertion Criteria 2017. Collection method: clinical testing. Allele origin: unknown.

Illumina Laboratory Services, Illumina
Classification: Uncertain significance for Hypogonadotropic hypogonadism 3 with or without anosmia. Last evaluated: 2017-04-27. Review status: criteria provided, single submitter. Criteria: ICSL Variant Classification Criteria 13 December 2019. Collection method: clinical testing. Allele origin: germline.
Comment: This variant was observed as part of a predisposition screen in an ostensibly healthy population. A literature search was performed for the gene, cDNA change, and amino acid change (where applicable). Publications were found based on this search. However, the evidence from the literature, in combination with allele frequency data from public databases where available, was not sufficient to rule this variant in or out of causing disease. Therefore, this variant is classified as a variant of unknown significance.

Literature cited by the submitters: PubMed 21858136 (cited by Illumina Laboratory Services, Illumina); PubMed 23643382 (cited by Illumina Laboratory Services, Illumina).

NM_144773.4(PROKR2):c.889G>A (p.Val297Ile)

Gene: PROKR2 (prokineticin receptor 2; minus strand). Cytogenetic location: 20p12.3.
Variant type: single nucleotide variant.
Coding change: c.889G>A on transcript NM_144773.4 (MANE Select); coding-DNA position 889, G replaced by A.
Protein change: p.Val297Ile; replaces valine 297 with isoleucine.
Molecular consequence: missense variant.
Genome position (GRCh38, 1-based): chr20:5,302,306, C>T on the plus strand (G>A on the coding strand, the complement: PROKR2 is on the minus strand). VCF-style: chr20-5302306-C-T. GRCh37 (hg19) VCF-style: chr20-5282952-C-T.
Other names: c.889G>A (NM_144773.3); short protein forms V297I.
Identifiers: ClinVar variation 803597 (VCV000803597.12), dbSNP rs139399061, ClinGen allele CA9754251.